The following is an entry in ClinVar:

ClinVar aggregate classification (germline): Uncertain significance (1 of 4 stars; one submission).

Conditions:
Primary ciliary dyskinesia. Also called: Ciliary dyskinesia. Identifiers: Orphanet 244, MedGen C0008780, MONDO:0016575, HP:0012265.

Allele frequency attached by ClinVar (database versions not stated): gnomAD exomes below 0.00001; ExAC 0.00001.
gnomAD v4.1: 3 of 1,603,584 alleles (0.00019%); highest among the groups gnomAD compares: South Asian, 0.0034%; no homozygotes.

Submission:

Labcorp Genetics (formerly Invitae), Labcorp
Classification: Uncertain significance for Primary ciliary dyskinesia. Last evaluated: 2020-06-26. Review status: criteria provided, single submitter. Criteria: Invitae Variant Classification Sherloc (09022015). Collection method: clinical testing. Allele origin: germline.
Comment: In summary, the available evidence is currently insufficient to determine the role of this variant in disease. Therefore, it has been classified as a Variant of Uncertain Significance. Algorithms developed to predict the effect of missense changes on protein structure and function (SIFT, PolyPhen-2, Align-GVGD) all suggest that this variant is likely to be tolerated, but these predictions have not been confirmed by published functional studies and their clinical significance is uncertain. This variant has not been reported in the literature in individuals with CCDC39-related conditions. This variant is present in population databases (rs760511976, ExAC 0.006%). This sequence change replaces histidine with tyrosine at codon 509 of the CCDC39 protein (p.His509Tyr). The histidine residue is moderately conserved and there is a moderate physicochemical difference between histidine and tyrosine.

NM_181426.2(CCDC39):c.1525C>T (p.His509Tyr)

Gene: CCDC39 (coiled-coil domain 39 molecular ruler complex subunit; minus strand). Cytogenetic location: 3q26.33.
Variant type: single nucleotide variant.
Coding change: c.1525C>T on transcript NM_181426.2 (MANE Select); coding-DNA position 1525, C replaced by T.
Protein change: p.His509Tyr; replaces histidine 509 with tyrosine.
Molecular consequence: missense variant.
Genome position (GRCh38, 1-based): chr3:180,647,081, G>A on the plus strand (C>T on the coding strand, the complement: CCDC39 is on the minus strand). VCF-style: chr3-180647081-G-A. GRCh37 (hg19) VCF-style: chr3-180364869-G-A.
Other names: short protein forms H509Y.
Identifiers: ClinVar variation 1056556 (VCV001056556.9), dbSNP rs760511976, ClinGen allele CA2715924.
Genomic context (GRCh38, chr3:180,647,081, plus strand): 5'-GTCCTAAAACAGAATGACTAGGATATTTGAAATATAAAATGTATTTTGGCTAAGTTACAT[G>A]AAGCTTCTTGATCTGTGTTTCCAAAAGGCCACATGTAGATTTTTTCTCTTCCAAAGACTT-3'
Protein context (NP_852091.1, residues 499-519): GLLETQIKKL[His509Tyr]NDLYFIKKAH